The following is an entry in ClinVar:

NM_000492.4(CFTR):c.947T>A (p.Phe316Tyr)

Gene: CFTR (CF transmembrane conductance regulator; plus strand). Cytogenetic location: 7q31.2.
Variant type: single nucleotide variant.
Coding change: c.947T>A on transcript NM_000492.4 (MANE Select); coding-DNA position 947, T replaced by A.
Protein change: p.Phe316Tyr; replaces phenylalanine 316 with tyrosine.
Molecular consequence: missense variant.
Genome position (GRCh38, 1-based): chr7:117,540,177, T>A. VCF-style: chr7-117540177-T-A. GRCh37 (hg19) VCF-style: chr7-117180231-T-A.
Other names: short protein forms F316Y.
Identifiers: ClinVar variation 632765 (VCV000632765.1), dbSNP rs779201407, ClinGen allele CA368978423.
Genomic context (GRCh38, chr7:117,540,177, plus strand): 5'-CTCGGAAGGCAGCCTATGTGAGATACTTCAATAGCTCAGCCTTCTTCTTCTCAGGGTTCT[T>A]TGTGGTGTTTTTATCTGTGCTTCCCTATGCACTAATCAAAGGAATCATCCTCCGGAAAAT-3'
Protein context (NP_000483.3, residues 306-326): NSSAFFFSGF[Phe316Tyr]VVFLSVLPYA

ClinVar aggregate classification (germline): Uncertain significance (1 of 4 stars; one submission).

Submission:

Women's Health and Genetics/Laboratory Corporation of America, LabCorp
Classification: Uncertain significance. Last evaluated: 2017-09-08. Review status: criteria provided, single submitter. Criteria: LabCorp Variant Classification Summary - May 2015. Collection method: clinical testing. Allele origin: germline.
Comment: Variant summary: The CFTR c.947T>A (p.Phe316Tyr) variant located in the ABC transporter type 1, transmembrane domain (via InterPro) involves the alteration of a conserved nucleotide and 4/5 in silico tools predict a damaging outcome. However, these predictions have yet to be functionally assessed. This variant is absent in 121186 control chromosomes. The variant of interest has not, to our knowledge, been reported in affected individuals via publications and/or reputable databases/clinical diagnostic laboratories. Because of the absence of clinical information and the lack of functional studies, the variant is classified as a "Variant of Uncertain Significance (VUS)," until additional information becomes available.